The following is an entry in ClinVar:

ClinVar aggregate classification (germline): Uncertain significance (1 of 4 stars; one submission).

Conditions:
Microcephaly, epilepsy, and diabetes syndrome. Identifiers: Orphanet 306558, MedGen C3280240, MONDO:0100328.

Allele frequency attached by ClinVar (database versions not stated): gnomAD exomes below 0.00001.
gnomAD v4.1: 1 of 1,614,068 alleles (0.000062%); highest among the groups gnomAD compares: East Asian, 0.0022%; no homozygotes.

Submission:

Labcorp Genetics (formerly Invitae), Labcorp
Classification: Uncertain significance for Microcephaly, epilepsy, and diabetes syndrome. Last evaluated: 2021-01-22. Review status: criteria provided, single submitter. Criteria: Invitae Variant Classification Sherloc (09022015). Collection method: clinical testing. Allele origin: germline.
Comment: This variant has not been reported in the literature in individuals with IER3IP1-related conditions. Algorithms developed to predict the effect of missense changes on protein structure and function (SIFT, PolyPhen-2, Align-GVGD) all suggest that this variant is likely to be tolerated, but these predictions have not been confirmed by published functional studies and their clinical significance is uncertain. In summary, the available evidence is currently insufficient to determine the role of this variant in disease. Therefore, it has been classified as a Variant of Uncertain Significance. This variant is not present in population databases (ExAC no frequency). This sequence change replaces isoleucine with threonine at codon 39 of the IER3IP1 protein (p.Ile39Thr). The isoleucine residue is moderately conserved and there is a moderate physicochemical difference between isoleucine and threonine.

NM_016097.5(IER3IP1):c.116T>C (p.Ile39Thr)

Gene: IER3IP1 (immediate early response 3 interacting protein 1; minus strand). Cytogenetic location: 18q21.1.
Variant type: single nucleotide variant.
Coding change: c.116T>C on transcript NM_016097.5 (MANE Select); coding-DNA position 116, T replaced by C.
Protein change: p.Ile39Thr; replaces isoleucine 39 with threonine.
Molecular consequence: missense variant.
Genome position (GRCh38, 1-based): chr18:47,157,513, A>G on the plus strand (T>C on the coding strand, the complement: IER3IP1 is on the minus strand). VCF-style: chr18-47157513-A-G. GRCh37 (hg19) VCF-style: chr18-44683884-A-G.
Other names: short protein forms I39T.
Identifiers: ClinVar variation 1392123 (VCV001392123.8), dbSNP rs2144423249, ClinGen allele CA402490210.